The following is an entry in ClinVar:

NM_001453.3(FOXC1):c.1637T>C (p.Phe546Ser)

Gene: FOXC1 (forkhead box C1; plus strand). Cytogenetic location: 6p25.3.
Variant type: single nucleotide variant.
Coding change: c.1637T>C on transcript NM_001453.3 (MANE Select); coding-DNA position 1637, T replaced by C.
Protein change: p.Phe546Ser; replaces phenylalanine 546 with serine.
Molecular consequence: missense variant.
Genome position (GRCh38, 1-based): chr6:1,612,082, T>C. VCF-style: chr6-1612082-T-C. GRCh37 (hg19) VCF-style: chr6-1612317-T-C.
Other names: short protein forms F546S.
Identifiers: ClinVar variation 3644367 (VCV003644367.2).
Genomic context (GRCh38, chr6:1,612,082, plus strand): 5'-ATAGTAGCTGTCAAATGGCCTTCCCTTCCAGCCAGTCTCTGTACCGCACGTCCGGAGCTT[T>C]CGTCTACGACTGTAGCAAGTTTTGACACACCCTCAAAGCCGAACTAAATCGAACCCCAAA-3'
Protein context (NP_001444.2, residues 536-553): SQSLYRTSGA[Phe546Ser]VYDCSKF

ClinVar aggregate classification (germline): Uncertain significance (1 of 4 stars; one submission).

Conditions:
Axenfeld-Rieger syndrome type 3 (RIEG3). Also called: AXENFELD-RIEGER ANOMALY WITH CARDIAC DEFECTS AND/OR SENSORINEURAL HEARING LOSS. Identifiers: Orphanet 782, MedGen C2678503, MONDO:0011233, OMIM 602482.

Submission:

Labcorp Genetics (formerly Invitae), Labcorp
Classification: Uncertain significance for Axenfeld-Rieger syndrome type 3. Last evaluated: 2024-03-03. Review status: criteria provided, single submitter. Criteria: Invitae Variant Classification Sherloc (09022015). Collection method: clinical testing. Allele origin: germline.
Comment: This sequence change replaces phenylalanine, which is neutral and non-polar, with serine, which is neutral and polar, at codon 546 of the FOXC1 protein (p.Phe546Ser). This variant is not present in population databases (gnomAD no frequency). This variant has not been reported in the literature in individuals affected with FOXC1-related conditions. An algorithm developed to predict the effect of missense changes on protein structure and function (PolyPhen-2) suggests that this variant is likely to be disruptive. In summary, the available evidence is currently insufficient to determine the role of this variant in disease. Therefore, it has been classified as a Variant of Uncertain Significance.